The following is an entry in ClinVar:

ClinVar aggregate classification (germline): Uncertain significance (0 of 4 stars; one submission).

Conditions:
TCF7L2-related disorder. Also called: TCF7L2-related condition.

Submission:

PreventionGenetics, part of Exact Sciences
Classification: Uncertain significance for TCF7L2-related condition. Last evaluated: 2024-04-03. Review status: no assertion criteria provided. Collection method: clinical testing. Allele origin: germline.
Comment: The TCF7L2 c.1547A>G variant is predicted to result in the amino acid substitution p.Lys516Arg. To our knowledge, this variant has not been reported in the literature or in a large population database, indicating this variant is rare. At this time, the clinical significance of this variant is uncertain due to the absence of conclusive functional and genetic evidence.

NM_001367943.1(TCF7L2):c.1616A>G (p.Lys539Arg)

Gene: TCF7L2 (transcription factor 7 like 2; plus strand). Cytogenetic location: 10q25.3.
Variant type: single nucleotide variant.
Coding change: c.1616A>G on transcript NM_001367943.1 (MANE Select); coding-DNA position 1616, A replaced by G.
Protein change: p.Lys539Arg; replaces lysine 539 with arginine.
Molecular consequence: missense variant. On other transcripts: 3 prime UTR variant (12).
Genome position (GRCh38, 1-based): chr10:113,165,728, A>G. VCF-style: chr10-113165728-A-G. GRCh37 (hg19) VCF-style: chr10-114925487-A-G.
Other names: c.1565A>G, p.Lys522Arg (NM_001146274.2); c.*94A>G (NM_001146283.2, NM_001146284.2, NM_001146286.2 and 4 more transcripts); c.1496A>G, p.Lys499Arg (NM_001146285.2, NM_001198526.2); c.*204A>G (NM_001198525.2); c.*192A>G (NM_001198527.2, NM_001198528.2, NM_001349870.2 and 1 more transcripts); c.1547A>G, p.Lys516Arg (NM_030756.5); short protein forms K499R, K516R, K522R, K539R.
Identifiers: ClinVar variation 3349756 (VCV003349756.1).